The following is an entry in ClinVar:

ClinVar aggregate classification (germline): Uncertain significance (1 of 4 stars; one submission).

Submission:

Women's Health and Genetics/Laboratory Corporation of America, LabCorp
Classification: Uncertain significance. Last evaluated: 2025-12-12. Review status: criteria provided, single submitter. Criteria: LabCorp Variant Classification Summary - May 2015. Collection method: clinical testing. Allele origin: germline.
Comment: Variant summary: ENPP1 c.2465A>G (p.Asn822Ser) results in a conservative amino acid change in the encoded protein sequence. Algorithms developed to predict the effect of missense changes on protein structure and function all suggest that this variant is likely to be tolerated. The variant allele was found at a frequency of 4e-06 in 251180 control chromosomes. The available data on variant occurrences in the general population are insufficient to allow any conclusion about variant significance. To our knowledge, no occurrence of c.2465A>G in individuals affected with ENPP1-related conditions and no experimental evidence demonstrating its impact on protein function have been reported. No submitters have cited clinical-significance assessments for this variant to ClinVar. Based on the evidence outlined above, the variant was classified as uncertain significance.

NM_006208.3(ENPP1):c.2465A>G (p.Asn822Ser)

Gene: ENPP1 (ectonucleotide pyrophosphatase/phosphodiesterase 1; plus strand). Cytogenetic location: 6q23.2.
Variant type: single nucleotide variant.
Coding change: c.2465A>G on transcript NM_006208.3 (MANE Select); coding-DNA position 2465, A replaced by G.
Protein change: p.Asn822Ser; replaces asparagine 822 with serine.
Molecular consequence: missense variant.
Genome position (GRCh38, 1-based): chr6:131,886,582, A>G. VCF-style: chr6-131886582-A-G. GRCh37 (hg19) VCF-style: chr6-132207722-A-G.
Other names: short protein forms N822S.
Identifiers: ClinVar variation 4688334 (VCV004688334.1).